The following is an entry in ClinVar:

NM_004183.4(BEST1):c.1271G>T (p.Gly424Val)

Gene: BEST1 (bestrophin 1; plus strand). Cytogenetic location: 11q12.3.
Variant type: single nucleotide variant.
Coding change: c.1271G>T on transcript NM_004183.4 (MANE Select); coding-DNA position 1271, G replaced by T.
Protein change: p.Gly424Val; replaces glycine 424 with valine.
Molecular consequence: missense variant. On other transcripts: non-coding transcript variant (1).
Genome position (GRCh38, 1-based): chr11:61,962,425, G>T. VCF-style: chr11-61962425-G-T. GRCh37 (hg19) VCF-style: chr11-61729897-G-T.
Other names: c.1091G>T, p.Gly364Val (NM_001139443.3, NM_001300787.2); c.1010G>T, p.Gly337Val (NM_001300786.2); c.953G>T, p.Gly318Val (NM_001363591.3); c.*166G>T (NM_001363592.2); c.299G>T, p.Gly100Val (NM_001363593.3); short protein forms G424V, G318V, G364V, G337V, G100V.
Identifiers: ClinVar variation 3634179 (VCV003634179.2).
Genomic context (GRCh38, chr11:61,962,425, plus strand): 5'-CCAGGGCAAACTCAAGGACCAAACTACTGTGGCCCAAGAGGGAATCCCTTCTCCACGAGG[G>T]CCTGCCCAAAAACCACAAGGCAGCCAAACAGAACGTTAGGGGCCAGGAAGACAACAAGGC-3'
Protein context (NP_004174.1, residues 414-434): WPKRESLLHE[Gly424Val]LPKNHKAAKQ

ClinVar aggregate classification (germline): Uncertain significance (1 of 4 stars; one submission).

Submission:

Labcorp Genetics (formerly Invitae), Labcorp
Classification: Uncertain significance. Last evaluated: 2024-05-26. Review status: criteria provided, single submitter. Criteria: Invitae Variant Classification Sherloc (09022015). Collection method: clinical testing. Allele origin: germline.
Comment: This sequence change replaces glycine, which is neutral and non-polar, with valine, which is neutral and non-polar, at codon 424 of the BEST1 protein (p.Gly424Val). This variant is not present in population databases (gnomAD no frequency). This variant has not been reported in the literature in individuals affected with BEST1-related conditions. Advanced modeling of protein sequence and biophysical properties (such as structural, functional, and spatial information, amino acid conservation, physicochemical variation, residue mobility, and thermodynamic stability) has been performed at Invitae for this missense variant, however the output from this modeling did not meet the statistical confidence thresholds required to predict the impact of this variant on BEST1 protein function. In summary, the available evidence is currently insufficient to determine the role of this variant in disease. Therefore, it has been classified as a Variant of Uncertain Significance.